The following is an entry in ClinVar:

NM_001042492.3(NF1):c.248A>G (p.Gln83Arg)

Gene: NF1 (neurofibromin 1; plus strand). Cytogenetic location: 17q11.2.
Variant type: single nucleotide variant.
Coding change: c.248A>G on transcript NM_001042492.3 (MANE Select); coding-DNA position 248, A replaced by G.
Protein change: p.Gln83Arg; replaces glutamine 83 with arginine.
Molecular consequence: missense variant.
Genome position (GRCh38, 1-based): chr17:31,159,053, A>G. VCF-style: chr17-31159053-A-G. GRCh37 (hg19) VCF-style: chr17-29486071-A-G.
Other names: c.248A>G, p.Gln83Arg (NM_000267.4, NM_001128147.3); short protein forms Q83R.
Identifiers: ClinVar variation 404578 (VCV000404578.5), dbSNP rs1060500360, ClinGen allele CA16615140.

ClinVar aggregate classification (germline): Uncertain significance (1 of 4 stars; one submission).

Conditions:
Neurofibromatosis, type 1 (NF1). Also called: Neurofibromatosis, type I; NEUROFIBROMATOSIS, TYPE I, SOMATIC; Peripheral type neurofibromatosis; VON RECKLINGHAUSEN DISEASE. Identifiers: Orphanet 636, MedGen C0027831, MONDO:0018975, OMIM 162200. Disease mechanism: loss of function.

Allele frequency attached by ClinVar (database versions not stated): gnomAD below 0.00001 and 0.00001.
gnomAD v4.1: 1 of 1,608,874 alleles (0.000062%); highest among the groups gnomAD compares: South Asian, 0.0011%; no homozygotes.

Submission:

Labcorp Genetics (formerly Invitae), Labcorp
Classification: Uncertain significance for Neurofibromatosis, type 1. Last evaluated: 2021-06-20. Review status: criteria provided, single submitter. Criteria: Invitae Variant Classification Sherloc (09022015). Collection method: clinical testing. Allele origin: germline.
Comment: This sequence change replaces glutamine with arginine at codon 83 of the NF1 protein (p.Gln83Arg). The glutamine residue is highly conserved and there is a small physicochemical difference between glutamine and arginine. This variant is not present in population databases (ExAC no frequency) and has not been reported in the literature in individuals with a NF1-related disease. Algorithms developed to predict the effect of missense changes on protein structure and function do not agree on the potential impact of this missense change (SIFT: "Tolerated"; PolyPhen-2: "Possibly Damaging"; Align-GVGD: "Class C0"). In summary, this variant is a novel missense change with uncertain impact on protein function. It has been classified as a Variant of Uncertain Significance.